The following is an entry in ClinVar:

NM_001365951.3(KIF1B):c.2194G>A (p.Glu732Lys)

Gene: KIF1B (kinesin family member 1B; plus strand). Cytogenetic location: 1p36.22.
Variant type: single nucleotide variant.
Coding change: c.2194G>A on transcript NM_001365951.3 (MANE Select); coding-DNA position 2194, G replaced by A.
Protein change: p.Glu732Lys; replaces glutamic acid 732 with lysine.
Molecular consequence: missense variant.
Genome position (GRCh38, 1-based): chr1:10,320,121, G>A. VCF-style: chr1-10320121-G-A. GRCh37 (hg19) VCF-style: chr1-10380179-G-A.
Other names: c.2194G>A, p.Glu732Lys (NM_001365952.1); c.2056G>A, p.Glu686Lys (NM_015074.3); short protein forms E686K, E732K.
Identifiers: ClinVar variation 3288371 (VCV003288371.1).

ClinVar aggregate classification (germline): Uncertain significance (1 of 4 stars; one submission).

gnomAD v4.1: 1 of 1,612,178 alleles (0.000062%); highest among the groups gnomAD compares: South Asian, 0.0011%; no homozygotes.

Submission:

Ambry Genetics
Classification: Uncertain significance. Last evaluated: 2024-05-31. Review status: criteria provided, single submitter. Criteria: Ambry Variant Classification Scheme 2023. Collection method: clinical testing. Allele origin: germline.
Comment: The p.E686K variant (also known as c.2056G>A), located in coding exon 20 of the KIF1B gene, results from a G to A substitution at nucleotide position 2056. The glutamic acid at codon 686 is replaced by lysine, an amino acid with similar properties. This amino acid position is conserved. In addition, the in silico prediction for this alteration is inconclusive. Based on the available evidence, the clinical significance of this variant remains unclear.